The following is an entry in ClinVar:

ClinVar aggregate classification (germline): Uncertain significance. Review status: criteria provided, multiple submitters, no conflicts (2 of 4 stars). 2 submissions from 2 submitters: Uncertain significance (2). Last evaluated 2025-10-22.

Conditions:
Inborn genetic diseases. Identifiers: MedGen C0950123, MeSH D030342.

Allele frequency attached by ClinVar (database versions not stated): ExAC 0.00001; gnomAD 0.00001; TOPMed 0.00001.
gnomAD v4.1: 13 of 1,613,876 alleles (0.00081%); highest among the groups gnomAD compares: Non-Finnish European, 0.0011%; 1 homozygote.

Submissions (2):

Ambry Genetics
Classification: Uncertain significance for Inborn genetic diseases. Last evaluated: 2025-10-22. Review status: criteria provided, single submitter. Criteria: Ambry Variant Classification Scheme 2023. Collection method: clinical testing. Allele origin: germline.

Labcorp Genetics (formerly Invitae), Labcorp
Classification: Uncertain significance. Last evaluated: 2024-08-14. Review status: criteria provided, single submitter. Criteria: Invitae Variant Classification Sherloc (09022015). Collection method: clinical testing. Allele origin: germline.
Comment: This sequence change replaces proline, which is neutral and non-polar, with alanine, which is neutral and non-polar, at codon 627 of the DCHS1 protein (p.Pro627Ala). This variant is present in population databases (rs748501885, gnomAD 0.003%). This variant has not been reported in the literature in individuals affected with DCHS1-related conditions. Invitae Evidence Modeling of protein sequence and biophysical properties (such as structural, functional, and spatial information, amino acid conservation, physicochemical variation, residue mobility, and thermodynamic stability) indicates that this missense variant is not expected to disrupt DCHS1 protein function with a negative predictive value of 80%. In summary, the available evidence is currently insufficient to determine the role of this variant in disease. Therefore, it has been classified as a Variant of Uncertain Significance.

NM_003737.4(DCHS1):c.1879C>G (p.Pro627Ala)

Gene: DCHS1 (dachsous cadherin-related 1; minus strand). Cytogenetic location: 11p15.4.
Variant type: single nucleotide variant.
Coding change: c.1879C>G on transcript NM_003737.4 (MANE Select); coding-DNA position 1879, C replaced by G.
Protein change: p.Pro627Ala; replaces proline 627 with alanine.
Molecular consequence: missense variant.
Genome position (GRCh38, 1-based): chr11:6,634,225, G>C on the plus strand (C>G on the coding strand, the complement: DCHS1 is on the minus strand). VCF-style: chr11-6634225-G-C. GRCh37 (hg19) VCF-style: chr11-6655456-G-C.
Other names: c.1879C>G (NM_003737.2); short protein forms P627A.
Identifiers: ClinVar variation 2907778 (VCV002907778.4), dbSNP rs748501885, ClinGen allele CA5860868.